The following is an entry in ClinVar:

ClinVar aggregate classification (germline): Pathogenic/Likely pathogenic. Review status: criteria provided, multiple submitters, no conflicts (2 of 4 stars). 5 submissions from 5 submitters: Pathogenic (1); Likely pathogenic (3). 1 of the submissions does not count toward it. Last evaluated 2025-12-07.

Conditions:
Congenital lipoid adrenal hyperplasia due to STAR deficency. Also called: Lipoid adrenal hyperplasia; Congenital Lipoid Adrenal Hyperplasia; ADRENAL HYPERPLASIA I; Cholesterol monooxygenase (side-chain cleaving) deficiency. Identifiers: Orphanet 418, Orphanet 90790, MedGen C0342474, MONDO:0008725, OMIM 201710.

Submissions (5):

Natera, Inc.
Classification: Likely pathogenic for Congenital lipoid adrenal hyperplasia. Last evaluated: 2025-12-07. Review status: criteria provided, single submitter. Criteria: Natera Variant Classification Schema (03/2026). Collection method: clinical testing. Allele origin: germline.
Comment: The c.298_299delAG variant in STAR is a frameshift variant predicted to shift the reading frame beginning at codon 101 and leads to a stop codon 10 codons downstream. This variant is expected to result in nonsense mediated decay, truncation, or a dysfunctional protein product. This variant is rare in the general population with a frequency below the threshold expected for the associated phenotype(s). Given the available evidence, this variant is classified as Likely Pathogenic.

Fulgent Genetics
Classification: Likely pathogenic for Congenital lipoid adrenal hyperplasia due to STAR deficency. Last evaluated: 2024-05-21. Review status: criteria provided, single submitter. Criteria: ACMG Guidelines, 2015. Collection method: clinical testing. Allele origin: germline.

Revvity Omics, Revvity
Classification: Likely pathogenic for Congenital lipoid adrenal hyperplasia due to STAR deficency. Last evaluated: 2023-10-02. Review status: criteria provided, single submitter. Criteria: ACMG Guidelines, 2015. Collection method: clinical testing. Allele origin: germline.

Labcorp Genetics (formerly Invitae), Labcorp
Classification: Pathogenic. Last evaluated: 2023-06-03. Review status: criteria provided, single submitter. Criteria: Invitae Variant Classification Sherloc (09022015). Collection method: clinical testing. Allele origin: germline.
Comment: This sequence change creates a premature translational stop signal (p.Gln101Alafs*10) in the STAR gene. It is expected to result in an absent or disrupted protein product. Loss-of-function variants in STAR are known to be pathogenic (PMID: 8948562). This variant is present in population databases (rs765904696, gnomAD 0.0009%). This variant has not been reported in the literature in individuals affected with STAR-related conditions. ClinVar contains an entry for this variant (Variation ID: 551640). For these reasons, this variant has been classified as Pathogenic.

Counsyl
Classification: Likely pathogenic for Congenital lipoid adrenal hyperplasia due to STAR deficency. Last evaluated: 2017-04-28. Review status: no assertion criteria provided. Collection method: clinical testing. Allele origin: unknown. Not counted in ClinVar's aggregate classification.

Literature cited by the submitters: PubMed 8948562 (cited by Labcorp Genetics (formerly Invitae), Labcorp).

NM_000349.3(STAR):c.298_299del (p.Gln101fs)

Gene: STAR (steroidogenic acute regulatory protein; minus strand). Cytogenetic location: 8p11.23.
Variant type: Microsatellite.
Coding change: c.298_299del on transcript NM_000349.3 (MANE Select); coding-DNA positions 298 to 299, 2 bases deleted (AG; older notation c.298_299delAG).
Protein change: p.Gln101fs; shifts the reading frame from glutamine 101.
Molecular consequence: frameshift variant.
Genome position (GRCh38, 1-based): chr8:38,148,207-38,148,208, CT deleted on the plus strand (AG on the coding strand, the reverse complement: STAR is on the minus strand); deleting any 2 consecutive bases within chr8:38,148,207-38,148,211 gives the same sequence; the c. name uses the placement nearest the transcript's 3' end. VCF-style (leftmost placement, unchanged base first): chr8-38148206-ACT-A. GRCh37 (hg19) VCF-style: chr8-38005724-ACT-A.
Other names: c.298_299del (NM_000349.2); short protein forms Q101fs.
Identifiers: ClinVar variation 551640 (VCV000551640.11), dbSNP rs765904696, ClinGen allele CA4715291.